The following is an entry in ClinVar:

NM_005660.3(SLC35A2):c.1118T>C (p.Leu373Pro)

Gene: SLC35A2 (solute carrier family 35 member A2; minus strand). Cytogenetic location: Xp11.23.
Variant type: single nucleotide variant.
Coding change: c.1118T>C on transcript NM_005660.3 (MANE Select); coding-DNA position 1118, T replaced by C.
Protein change: p.Leu373Pro; replaces leucine 373 with proline.
Molecular consequence: missense variant. On other transcripts: synonymous variant (3).
Genome position (GRCh38, 1-based): chrX:48,904,791, A>G on the plus strand (T>C on the coding strand, the complement: SLC35A2 is on the minus strand). VCF-style: chrX-48904791-A-G. GRCh37 (hg19) VCF-style: chrX-48762068-A-G.
Other names: c.528T>C, p.Ala176= (NM_001032289.3, NM_001282647.2); c.1118T>C, p.Leu373Pro (NM_001042498.3); c.456T>C, p.Ala152= (NM_001282648.2); c.935T>C, p.Leu312Pro (NM_001282649.2); c.1157T>C, p.Leu386Pro (NM_001282650.2); c.1202T>C, p.Leu401Pro (NM_001282651.2); short protein forms L312P, L373P, L386P, L401P.
Identifiers: ClinVar variation 2094736 (VCV002094736.4), dbSNP rs2519642884, ClinGen allele CA412894065.

ClinVar aggregate classification (germline): Uncertain significance (1 of 4 stars; one submission).

Conditions:
SLC35A2-congenital disorder of glycosylation. Also called: CONGENITAL DISORDER OF GLYCOSYLATION, TYPE IIm; CDG IIm; CONGENITAL DISORDER OF GLYCOSYLATION, TYPE IIm, SOMATIC MOSAIC; EPILEPTIC ENCEPHALOPATHY, EARLY INFANTILE, 22; SLC35A2-CDG; DEVELOPMENTAL AND EPILEPTIC ENCEPHALOPATHY 22. Identifiers: Orphanet 356961, MedGen C3806688, MONDO:0010478, OMIM 300896.

Submission:

Labcorp Genetics (formerly Invitae), Labcorp
Classification: Uncertain significance for SLC35A2-congenital disorder of glycosylation. Last evaluated: 2022-02-08. Review status: criteria provided, single submitter. Criteria: Invitae Variant Classification Sherloc (09022015). Collection method: clinical testing. Allele origin: germline.
Comment: In summary, the available evidence is currently insufficient to determine the role of this variant in disease. Therefore, it has been classified as a Variant of Uncertain Significance. Algorithms developed to predict the effect of missense changes on protein structure and function output the following: SIFT: "Tolerated"; PolyPhen-2: "Benign"; Align-GVGD: "Class C0". The proline amino acid residue is found in multiple mammalian species, which suggests that this missense change does not adversely affect protein function. This variant has not been reported in the literature in individuals affected with SLC35A2-related conditions. This variant is not present in population databases (gnomAD no frequency). This sequence change replaces leucine, which is neutral and non-polar, with proline, which is neutral and non-polar, at codon 373 of the SLC35A2 protein (p.Leu373Pro).